The following is an entry in ClinVar:

ClinVar aggregate classification (germline): Uncertain significance. Review status: criteria provided, multiple submitters, no conflicts (2 of 4 stars). 3 submissions from 3 submitters: Uncertain significance (2). 1 of the submissions does not count toward it. Last evaluated 2022-08-31.

Conditions:
Cohen syndrome (COH1). Also called: PEPPER SYNDROME; Cutis verticis gyrata, retinitis pigmentosa, and sensorineural deafness. Identifiers: Orphanet 193, MedGen C0265223, MONDO:0008999, OMIM 216550.

Allele frequency attached by ClinVar (database versions not stated): gnomAD 0.00001; gnomAD exomes 0.00001; TOPMed 0.00001.
gnomAD v4.1: 4 of 1,611,544 alleles (0.00025%); highest among the groups gnomAD compares: Non-Finnish European, 0.00034%; no homozygotes.

Submissions (3):

Labcorp Genetics (formerly Invitae), Labcorp
Classification: Uncertain significance for Cohen syndrome. Last evaluated: 2022-08-31. Review status: criteria provided, single submitter. Criteria: Invitae Variant Classification Sherloc (09022015). Collection method: clinical testing. Allele origin: germline.
Comment: This sequence change falls in intron 37 of the VPS13B gene. It does not directly change the encoded amino acid sequence of the VPS13B protein. It affects a nucleotide within the consensus splice site. This variant is present in population databases (no rsID available, gnomAD 0.007%). This variant has not been reported in the literature in individuals affected with VPS13B-related conditions. ClinVar contains an entry for this variant (Variation ID: 1010146). Variants that disrupt the consensus splice site are a relatively common cause of aberrant splicing (PMID: 17576681, 9536098). Algorithms developed to predict the effect of sequence changes on RNA splicing suggest that this variant is not likely to affect RNA splicing. In summary, the available evidence is currently insufficient to determine the role of this variant in disease. Therefore, it has been classified as a Variant of Uncertain Significance.

Genetic Services Laboratory, University of Chicago
Classification: Uncertain significance. Last evaluated: 2017-11-13. Review status: criteria provided, single submitter. Criteria: ACMG Guidelines, 2015. Collection method: clinical testing. Allele origin: germline. Affected: no.

Natera, Inc.
Classification: Uncertain significance for Cohen syndrome. Last evaluated: 2020-07-16. Review status: no assertion criteria provided. Collection method: clinical testing. Allele origin: germline. Not counted in ClinVar's aggregate classification.

Literature cited by the submitters: PubMed 17576681 (cited by Labcorp Genetics (formerly Invitae), Labcorp); PubMed 9536098 (cited by Labcorp Genetics (formerly Invitae), Labcorp).

NM_152564.5(VPS13B):c.6658-3A>T

Gene: VPS13B (vacuolar protein sorting 13 homolog B; plus strand). Cytogenetic location: 8q22.2.
Variant type: single nucleotide variant.
Coding change: c.6658-3A>T on transcript NM_152564.5 (MANE Select); 3 bases into the intron before coding-DNA position 6658, A replaced by T.
Molecular consequence: intron variant.
Genome position (GRCh38, 1-based): chr8:99,720,342, A>T. VCF-style: chr8-99720342-A-T. GRCh37 (hg19) VCF-style: chr8-100732570-A-T.
Other names: c.6733-3A>T (NM_017890.5).
Identifiers: ClinVar variation 1010146 (VCV001010146.12), dbSNP rs994417111, ClinGen allele CA183029717.